The following is an entry in ClinVar:

NM_000329.3(RPE65):c.942C>T (p.His314=)

Gene: RPE65 (retinoid isomerohydrolase RPE65; minus strand). Cytogenetic location: 1p31.3.
Variant type: single nucleotide variant.
Coding change: c.942C>T on transcript NM_000329.3 (MANE Select); coding-DNA position 942, C replaced by T.
Protein change: p.His314=; no amino-acid change (histidine 314 retained).
Molecular consequence: synonymous variant.
Genome position (GRCh38, 1-based): chr1:68,438,998, G>A on the plus strand (C>T on the coding strand, the complement: RPE65 is on the minus strand). VCF-style: chr1-68438998-G-A. GRCh37 (hg19) VCF-style: chr1-68904681-G-A.
Other names: NM_000329.3(RPE65):c.942C>T; p.His314=.
Identifiers: ClinVar variation 772581 (VCV000772581.19), dbSNP rs752875512, ClinGen allele CA902340.
Genomic context (GRCh38, chr1:68,438,998, plus strand): 5'-TTACCCTTTCCAGCAGCAGAGATCCACAATCAGAAACCCATTGTCTTCATAGGTGTTGAT[G>A]TGATGGAAGAGGTTGAAAGGAGAAGTTCTGTATTTATTATTGAGGTACTTTTTCCTTTTT-3'
Protein context (NP_000320.1, residues 304-324): YRTSPFNLFH[His314=]INTYEDNGFL

ClinVar aggregate classification (germline): Likely benign. Review status: reviewed by expert panel (3 of 4 stars). 8 submissions from 7 submitters: Likely benign (1). 7 of the submissions do not count toward it. Last evaluated 2025-12-22.

Conditions:
RPE65-related disorder. Also called: RPE65-related disorders; RPE65-related condition. Identifiers: MedGen CN239301.
Leber congenital amaurosis 2 (LCA2). Also called: AMAUROSIS CONGENITA OF LEBER II; Autosomal Recessive RPE65-Related Retinal Degeneration. Identifiers: Orphanet 65, MedGen C1859844, MONDO:0008765, OMIM 204100. Disease mechanism: loss of function.
Retinitis pigmentosa 20 (RP20). Identifiers: Orphanet 791, MedGen C3151086, MONDO:0013425, OMIM 613794.
Leber congenital amaurosis (LCA). Also called: Leber's amaurosis. Identifiers: Orphanet 65, MedGen C0339527, MeSH D057130, MONDO:0018998.
RPE65-related recessive retinopathy. Also called: Recessive RPE65 retinopathy. Identifiers: MedGen CN305526, MONDO:0100368.
Retinitis pigmentosa (RP). Identifiers: Orphanet 791, MedGen C0035334, MeSH D012174, MONDO:0019200, OMIM 268000. Inheritance: Autosomal dominant, autosomal recessive and X linked inheritance.

Allele frequency attached by ClinVar (database versions not stated): gnomAD exomes 0.00002 and 0.00004; ExAC 0.00003; gnomAD 0.00003 and 0.00004; TOPMed 0.00003.
gnomAD v4.1: 37 of 1,613,992 alleles (0.0023%); highest among the groups gnomAD compares: Admixed American, 0.0067%; no homozygotes.

Submissions (8):

ClinGen Leber Congenital Amaurosis/early Onset Retinal Dystrophy Variant Curation Expert Panel, ClinGen
Classification: Likely benign for RPE65-related recessive retinopathy. Last evaluated: 2025-12-22. Review status: reviewed by expert panel. Criteria: ClinGen LCAeoRD ACMG Specifications RPE65 V1.0.0. Collection method: curation. Allele origin: germline. Inheritance: Autosomal recessive inheritance.
Comment: NM_000329.3(RPE65):c.942C>T (p.His314=) is a silent change at position c.942 in the middle of exon 9 (of 14). This variant is present in gnomAD v.4.1.0 at a GrpMax allele frequency of 0.0000229, with 37 / 1613992 alleles in the Admixed American population, which is lower than the ClinGen LCA/eoRD VCEP PM2_Supporting threshold of 0.0002 (PM2_Supporting).The splicing impact predictor SpliceAI gives a delta score of 0.00, which is below the ClinGen LCA / eoRD VCEP recommended threshold of <0.1 and does not predict an impact on splicing (BP4, BP7). In summary, this variant meets the criteria to be classified as Likely Benign for RPE65-related recessive retinopathy based on the ACMG/AMP criteria applied, as specified by the ClinGen LCA/eoRD VCEP: BP4, BP7, PM2_Supporting. (VCEP specifications version 1.0.0; date of approval 09/21/2023).

CeGaT Center for Human Genetics Tuebingen
Classification: Likely benign. Last evaluated: 2026-08-01. Review status: criteria provided, single submitter. Criteria: CeGaT Center For Human Genetics Tuebingen Variant Classification Criteria Version 2. Collection method: clinical testing. Allele origin: germline. Affected: yes. Observed: 1 variant allele. Not counted in ClinVar's aggregate classification.
Comment: RPE65: BP4, BP7

Labcorp Genetics (formerly Invitae), Labcorp
Classification: Likely benign for Leber congenital amaurosis 2; Retinitis pigmentosa 20. Last evaluated: 2025-10-01. Review status: criteria provided, single submitter. Criteria: Invitae Variant Classification Sherloc (09022015). Collection method: clinical testing. Allele origin: germline. Not counted in ClinVar's aggregate classification.

PreventionGenetics, part of Exact Sciences
Classification: Likely benign for RPE65-related condition. Last evaluated: 2025-05-08. Review status: criteria provided, single submitter. Criteria: ACMG Guidelines, 2015. Collection method: clinical testing. Allele origin: germline. Not counted in ClinVar's aggregate classification.
Comment: This variant is classified as likely benign based on ACMG/AMP sequence variant interpretation guidelines (Richards et al. 2015 PMID: 25741868, with internal and published modifications).

Blueprint Genetics
Classification: Likely benign. Last evaluated: 2021-09-16. Review status: criteria provided, single submitter. Criteria: ACMG Guidelines, 2015. Collection method: clinical testing. Allele origin: germline. Not counted in ClinVar's aggregate classification.

Illumina Laboratory Services, Illumina
Classification: Uncertain significance for Retinitis pigmentosa. Last evaluated: 2017-04-28. Review status: criteria provided, single submitter. Criteria: ICSL Variant Classification Criteria 13 December 2019. Collection method: clinical testing. Allele origin: germline. Not counted in ClinVar's aggregate classification.

Illumina Laboratory Services, Illumina
Classification: Uncertain significance for Leber congenital amaurosis 2. Last evaluated: 2017-04-28. Review status: criteria provided, single submitter. Criteria: ICSL Variant Classification Criteria 13 December 2019. Collection method: clinical testing. Allele origin: germline. Not counted in ClinVar's aggregate classification.

Natera, Inc.
Classification: Likely benign for Leber congenital amaurosis. Last evaluated: 2020-02-17. Review status: no assertion criteria provided. Collection method: clinical testing. Allele origin: germline. Not counted in ClinVar's aggregate classification.